The following is an entry in ClinVar:

ClinVar aggregate classification (germline): Uncertain significance. Review status: criteria provided, multiple submitters, no conflicts (2 of 4 stars). 2 submissions from 2 submitters: Uncertain significance (2). Last evaluated 2023-03-27.

Conditions:
Aicardi-Goutieres syndrome 3. Identifiers: Orphanet 51, MedGen C1835916, MONDO:0012471, OMIM 610329.

gnomAD v4.1: 33 of 1,614,092 alleles (0.002%); highest among the groups gnomAD compares: South Asian, 0.011%; no homozygotes.

Submissions (2):

Blueprint Genetics
Classification: Uncertain significance. Last evaluated: 2023-03-27. Review status: criteria provided, single submitter. Criteria: ACMG Guidelines, 2015. Collection method: clinical testing. Allele origin: germline.

Labcorp Genetics (formerly Invitae), Labcorp
Classification: Uncertain significance for Aicardi-Goutieres syndrome 3. Last evaluated: 2022-10-19. Review status: criteria provided, single submitter. Criteria: Invitae Variant Classification Sherloc (09022015). Collection method: clinical testing. Allele origin: germline.
Comment: This sequence change replaces proline, which is neutral and non-polar, with alanine, which is neutral and non-polar, at codon 98 of the RNASEH2C protein (p.Pro98Ala). This variant is present in population databases (rs148186114, gnomAD 0.01%). This variant has not been reported in the literature in individuals affected with RNASEH2C-related conditions. ClinVar contains an entry for this variant (Variation ID: 1429512). Algorithms developed to predict the effect of missense changes on protein structure and function (SIFT, PolyPhen-2, Align-GVGD) all suggest that this variant is likely to be tolerated. In summary, the available evidence is currently insufficient to determine the role of this variant in disease. Therefore, it has been classified as a Variant of Uncertain Significance.

NM_032193.4(RNASEH2C):c.292C>G (p.Pro98Ala)

Gene: RNASEH2C (ribonuclease H2 subunit C; minus strand). Cytogenetic location: 11q13.1.
Variant type: single nucleotide variant.
Coding change: c.292C>G on transcript NM_032193.4 (MANE Select); coding-DNA position 292, C replaced by G.
Protein change: p.Pro98Ala; replaces proline 98 with alanine.
Molecular consequence: missense variant.
Genome position (GRCh38, 1-based): chr11:65,720,298, G>C on the plus strand (C>G on the coding strand, the complement: RNASEH2C is on the minus strand). VCF-style: chr11-65720298-G-C. GRCh37 (hg19) VCF-style: chr11-65487769-G-C.
Other names: short protein forms P98A.
Identifiers: ClinVar variation 1429512 (VCV001429512.6), dbSNP rs148186114, ClinGen allele CA6107748.